The following is an entry in ClinVar:

NM_015261.3(NCAPD3):c.4129C>T (p.Pro1377Ser)

Gene: NCAPD3 (non-SMC condensin II complex subunit D3; minus strand). Cytogenetic location: 11q25.
Variant type: single nucleotide variant.
Coding change: c.4129C>T on transcript NM_015261.3 (MANE Select); coding-DNA position 4129, C replaced by T.
Protein change: p.Pro1377Ser; replaces proline 1377 with serine.
Molecular consequence: missense variant.
Genome position (GRCh38, 1-based): chr11:134,157,973, G>A on the plus strand (C>T on the coding strand, the complement: NCAPD3 is on the minus strand). VCF-style: chr11-134157973-G-A. GRCh37 (hg19) VCF-style: chr11-134027868-G-A.
Other names: c.4129C>T (NM_015261.2); c.4129C>T, p.Pro1377Ser (NM_001372065.1, NM_001372068.1); c.3715C>T, p.Pro1239Ser (NM_001372069.1, NM_001372070.1); short protein forms P1239S, P1377S.
Identifiers: ClinVar variation 1176596 (VCV001176596.38), dbSNP rs150526752, ClinGen allele CA6370560.
Genomic context (GRCh38, chr11:134,157,973, plus strand): 5'-AAACATAAGGCTTACCCTGACTGCACGTTTTTTCTGGGCTTCCAGAATTTAAAGTGAAAG[G>A]CAGCACTCCTAAGCTCCGACTCCGATGCCTGCTCTTTGACTCCACGGCTTTCTTGACAGA-3'
Protein context (NP_056076.1, residues 1367-1387): RHRSRSLGVL[Pro1377Ser]FTLNSGSPEK

ClinVar aggregate classification (germline): Conflicting classifications of pathogenicity. Review status: criteria provided, conflicting classifications (1 of 4 stars). 5 submissions from 5 submitters: Uncertain significance (3); Likely benign (1). 1 of the submissions does not count toward it. Last evaluated 2025-12-11.

Conditions:
NCAPD3-related disorder. Also called: NCAPD3-related condition.

Allele frequency attached by ClinVar (database versions not stated): gnomAD 0.00180; gnomAD exomes 0.00185 and 0.00229; 1000 Genomes Project 30x 0.00187; ExAC 0.00197; 1000 Genomes Project 0.00200; ESP Exome Variant Server 0.00269.
gnomAD v4.1: 3,618 of 1,614,110 alleles (0.22%); highest among the groups gnomAD compares: Non-Finnish European, 0.25%; 5 homozygotes.

Submissions (5):

Ambry Genetics
Classification: Uncertain significance. Last evaluated: 2025-12-11. Review status: criteria provided, single submitter. Criteria: Ambry Variant Classification Scheme 2023. Collection method: clinical testing. Allele origin: germline.

Blueprint Genetics
Classification: Likely benign. Last evaluated: 2024-11-27. Review status: criteria provided, single submitter. Criteria: ACMG Guidelines, 2015. Collection method: clinical testing. Allele origin: germline.

CeGaT Center for Human Genetics Tuebingen
Classification: Uncertain significance. Last evaluated: 2021-03-01. Review status: criteria provided, single submitter. Criteria: CeGaT Center For Human Genetics Tuebingen Variant Classification Criteria Version 2. Collection method: clinical testing. Allele origin: germline. Affected: yes. Observed: 1 variant allele.

Breakthrough Genomics
Classification: Uncertain significance. Review status: criteria provided, single submitter. Criteria: ACMG Guidelines, 2015. Collection method: not provided. Allele origin: germline. Inheritance: Autosomal recessive inheritance. Affected: yes.

PreventionGenetics, part of Exact Sciences
Classification: Likely benign for NCAPD3-related condition. Last evaluated: 2019-05-01. Review status: no assertion criteria provided. Collection method: clinical testing. Allele origin: germline. Not counted in ClinVar's aggregate classification.
Comment: This variant is classified as likely benign based on ACMG/AMP sequence variant interpretation guidelines (Richards et al. 2015 PMID: 25741868, with internal and published modifications).